The following is an entry in ClinVar:

ClinVar aggregate classification (germline): Uncertain significance. Review status: criteria provided, multiple submitters, no conflicts (2 of 4 stars). 2 submissions from 2 submitters: Uncertain significance (2). Last evaluated 2025-08-27.

Conditions:
Early-infantile DEE. Also called: Early infantile epileptic encephalopathy with suppression bursts; Early infantile epileptic encephalopathy; Ohtahara syndrome. Identifiers: Orphanet 1934, MedGen C0393706, MONDO:0800491.

Submissions (2):

Ambry Genetics
Classification: Uncertain significance. Last evaluated: 2025-08-27. Review status: criteria provided, single submitter. Criteria: Ambry Variant Classification Scheme 2023. Collection method: clinical testing. Allele origin: germline.

Labcorp Genetics (formerly Invitae), Labcorp
Classification: Uncertain significance for Early-infantile DEE. Last evaluated: 2022-09-28. Review status: criteria provided, single submitter. Criteria: Invitae Variant Classification Sherloc (09022015). Collection method: clinical testing. Allele origin: germline.
Comment: In summary, the available evidence is currently insufficient to determine the role of this variant in disease. Therefore, it has been classified as a Variant of Uncertain Significance. Algorithms developed to predict the effect of missense changes on protein structure and function output the following: SIFT: "Tolerated"; PolyPhen-2: "Benign"; Align-GVGD: "Class C0". The serine amino acid residue is found in multiple mammalian species, which suggests that this missense change does not adversely affect protein function. This variant has not been reported in the literature in individuals affected with ARHGEF15-related conditions. This variant is not present in population databases (gnomAD no frequency). This sequence change replaces arginine, which is basic and polar, with serine, which is neutral and polar, at codon 178 of the ARHGEF15 protein (p.Arg178Ser).

NM_173728.4(ARHGEF15):c.534A>C (p.Arg178Ser)

Gene: ARHGEF15 (Rho guanine nucleotide exchange factor 15; plus strand). Cytogenetic location: 17p13.1.
Variant type: single nucleotide variant.
Coding change: c.534A>C on transcript NM_173728.4 (MANE Select); coding-DNA position 534, A replaced by C.
Protein change: p.Arg178Ser; replaces arginine 178 with serine.
Molecular consequence: missense variant.
Genome position (GRCh38, 1-based): chr17:8,312,573, A>C. VCF-style: chr17-8312573-A-C. GRCh37 (hg19) VCF-style: chr17-8215891-A-C.
Other names: c.534A>C, p.Arg178Ser (NM_025014.2); c.534A>C (NM_173728.3); short protein forms R178S.
Identifiers: ClinVar variation 1720576 (VCV001720576.6), dbSNP rs2543927776, ClinGen allele CA398014920.